The following is an entry in ClinVar:

NM_000059.4(BRCA2):c.9526G>A (p.Ala3176Thr)

Gene: BRCA2 (BRCA2 DNA repair associated; plus strand). Cytogenetic location: 13q13.1.
Variant type: single nucleotide variant.
Coding change: c.9526G>A on transcript NM_000059.4 (MANE Select); coding-DNA position 9526, G replaced by A.
Protein change: p.Ala3176Thr; replaces alanine 3176 with threonine.
Molecular consequence: missense variant.
Genome position (GRCh38, 1-based): chr13:32,396,922, G>A. VCF-style: chr13-32396922-G-A. GRCh37 (hg19) VCF-style: chr13-32971059-G-A.
Other names: short protein forms A3176T.
Identifiers: ClinVar variation 934353 (VCV000934353.12), dbSNP rs2073040220, ClinGen allele CA387763014.
Genomic context (GRCh38, chr13:32,396,922, plus strand): 5'-CAATTTATAAAGCAGCTTTTCCACTTATTTTCTTAGAATATTGACATACTTTGCAATGAA[G>A]CAGAAAACAAGCTTATGCATATACTGCATGCAAATGATCCCAAGTGGTCCACCCCAACTA-3'
Protein context (NP_000050.3, residues 3166-3186): VENIDILCNE[Ala3176Thr]ENKLMHILHA

ClinVar aggregate classification (germline): Uncertain significance. Review status: criteria provided, multiple submitters, no conflicts (2 of 4 stars). 2 submissions from 2 submitters: Uncertain significance (2). Last evaluated 2024-12-03.

Conditions:
Hereditary cancer-predisposing syndrome. Also called: Neoplastic Syndromes, Hereditary; Hereditary Cancer Syndrome; Hereditary neoplastic syndrome; Tumor predisposition. Identifiers: Orphanet 140162, MedGen C0027672, MeSH D009386, MONDO:0015356.
Hereditary breast ovarian cancer syndrome. Also called: Hereditary breast and ovarian cancer syndrome; Hereditary breast and ovarian cancer syndrome (HBOC); Hereditary breast and/or ovarian cancer syndrome; Hereditary breast and ovarian cancer; BRCA1- and BRCA2-Associated Hereditary Breast and Ovarian Cancer; Breast and ovarian cancer. Identifiers: Orphanet 145, MedGen C0677776, MeSH D061325, MONDO:0003582. Disease mechanism: loss of function.

Submissions (2):

Labcorp Genetics (formerly Invitae), Labcorp
Classification: Uncertain significance for Hereditary breast ovarian cancer syndrome. Last evaluated: 2024-12-03. Review status: criteria provided, single submitter. Criteria: Invitae Variant Classification Sherloc (09022015). Collection method: clinical testing. Allele origin: germline.
Comment: This sequence change replaces alanine, which is neutral and non-polar, with threonine, which is neutral and polar, at codon 3176 of the BRCA2 protein (p.Ala3176Thr). This variant is not present in population databases (gnomAD no frequency). This variant has not been reported in the literature in individuals affected with BRCA2-related conditions. ClinVar contains an entry for this variant (Variation ID: 934353). Invitae Evidence Modeling of protein sequence and biophysical properties (such as structural, functional, and spatial information, amino acid conservation, physicochemical variation, residue mobility, and thermodynamic stability) indicates that this missense variant is not expected to disrupt BRCA2 protein function with a negative predictive value of 95%. In summary, the available evidence is currently insufficient to determine the role of this variant in disease. Therefore, it has been classified as a Variant of Uncertain Significance.

Ambry Genetics
Classification: Uncertain significance for Hereditary cancer-predisposing syndrome. Last evaluated: 2023-08-13. Review status: criteria provided, single submitter. Criteria: Ambry Variant Classification Scheme 2023. Collection method: clinical testing. Allele origin: germline.
Comment: The p.A3176T variant (also known as c.9526G>A), located in coding exon 25 of the BRCA2 gene, results from a G to A substitution at nucleotide position 9526. The alanine at codon 3176 is replaced by threonine, an amino acid with similar properties. This amino acid position is conserved. In addition, the in silico prediction for this alteration is inconclusive. Since supporting evidence is limited at this time, the clinical significance of this alteration remains unclear.